The following is an entry in ClinVar:

ClinVar aggregate classification (germline): Likely pathogenic (1 of 4 stars; one submission).

Conditions:
Primary ciliary dyskinesia 23 (CILD23). Also called: CILIARY DYSKINESIA, PRIMARY, 23, WITH OR WITHOUT SITUS INVERSUS. Identifiers: Orphanet 244, MedGen C3809548, MONDO:0014193, OMIM 615451.

Submission:

Labcorp Genetics (formerly Invitae), Labcorp
Classification: Likely pathogenic for Primary ciliary dyskinesia 23. Last evaluated: 2024-05-14. Review status: criteria provided, single submitter. Criteria: Invitae Variant Classification Sherloc (09022015). Collection method: clinical testing. Allele origin: germline.
Comment: This sequence change affects a donor splice site in intron 15 of the ARMC4 gene. It is expected to disrupt RNA splicing. Variants that disrupt the donor or acceptor splice site typically lead to a loss of protein function (PMID: 16199547), and loss-of-function variants in ARMC4 are known to be pathogenic (PMID: 23849778). This variant is not present in population databases (gnomAD no frequency). This variant has not been reported in the literature in individuals affected with ARMC4-related conditions. Algorithms developed to predict the effect of sequence changes on RNA splicing suggest that this variant may disrupt the consensus splice site. In summary, the currently available evidence indicates that the variant is pathogenic, but additional data are needed to prove that conclusively. Therefore, this variant has been classified as Likely Pathogenic.

Literature cited by the submitters: PubMed 16199547; PubMed 23849778.

NM_018076.5(ODAD2):c.2252+1G>C

Gene: ODAD2 (outer dynein arm docking complex subunit 2; minus strand). Cytogenetic location: 10p12.1.
Variant type: single nucleotide variant.
Coding change: c.2252+1G>C on transcript NM_018076.5 (MANE Select); the canonical splice donor site of the intron after coding-DNA position 2252, G replaced by C.
Molecular consequence: splice donor variant.
Genome position (GRCh38, 1-based): chr10:27,936,725, C>G on the plus strand (G>C on the coding strand, the complement: ODAD2 is on the minus strand). VCF-style: chr10-27936725-C-G. GRCh37 (hg19) VCF-style: chr10-28225654-C-G.
Other names: c.2252+1G>C (NM_001290020.2); c.1328+1G>C (NM_001312689.2); c.827+1G>C (NM_001290021.2).
Identifiers: ClinVar variation 3670668 (VCV003670668.2).